The following is an entry in ClinVar:

NM_006904.7(PRKDC):c.10648A>G (p.Lys3550Glu)

Gene: PRKDC (protein kinase, DNA-activated, catalytic subunit; minus strand). Cytogenetic location: 8q11.21.
Variant type: single nucleotide variant.
Coding change: c.10648A>G on transcript NM_006904.7 (MANE Select); coding-DNA position 10648, A replaced by G.
Protein change: p.Lys3550Glu; replaces lysine 3550 with glutamic acid.
Molecular consequence: missense variant.
Genome position (GRCh38, 1-based): chr8:47,794,312, T>C on the plus strand (A>G on the coding strand, the complement: PRKDC is on the minus strand). VCF-style: chr8-47794312-T-C. GRCh37 (hg19) VCF-style: chr8-48706873-T-C.
Other names: c.10648A>G, p.Lys3550Glu (NM_001081640.2); short protein forms K3550E.
Identifiers: ClinVar variation 2829160 (VCV002829160.3), dbSNP rs2551861985, ClinGen allele CA371133572.

ClinVar aggregate classification (germline): Uncertain significance (1 of 4 stars; one submission).

Conditions:
Severe combined immunodeficiency due to DNA-PKcs deficiency. Also called: IMMUNODEFICIENCY 26 WITH NEUROLOGIC ABNORMALITIES; Immunodeficiency 26 with or without neurologic abnormalities. Identifiers: Orphanet 317425, MedGen C4014833, MONDO:0014423, OMIM 615966.

Submission:

Labcorp Genetics (formerly Invitae), Labcorp
Classification: Uncertain significance for Severe combined immunodeficiency due to DNA-PKcs deficiency. Last evaluated: 2023-01-16. Review status: criteria provided, single submitter. Criteria: Invitae Variant Classification Sherloc (09022015). Collection method: clinical testing. Allele origin: germline.
Comment: In summary, the available evidence is currently insufficient to determine the role of this variant in disease. Therefore, it has been classified as a Variant of Uncertain Significance. Advanced modeling of protein sequence and biophysical properties (such as structural, functional, and spatial information, amino acid conservation, physicochemical variation, residue mobility, and thermodynamic stability) performed at Invitae indicates that this missense variant is not expected to disrupt PRKDC protein function. This variant has not been reported in the literature in individuals affected with PRKDC-related conditions. This variant is not present in population databases (gnomAD no frequency). This sequence change replaces lysine, which is basic and polar, with glutamic acid, which is acidic and polar, at codon 3550 of the PRKDC protein (p.Lys3550Glu).